The following is an entry in ClinVar:

NM_005732.4(RAD50):c.1601C>G (p.Thr534Arg)

Gene: RAD50 (RAD50 double strand break repair protein; plus strand). Cytogenetic location: 5q31.1.
Variant type: single nucleotide variant.
Coding change: c.1601C>G on transcript NM_005732.4 (MANE Select); coding-DNA position 1601, C replaced by G.
Protein change: p.Thr534Arg; replaces threonine 534 with arginine.
Molecular consequence: missense variant.
Genome position (GRCh38, 1-based): chr5:132,591,372, C>G. VCF-style: chr5-132591372-C-G. GRCh37 (hg19) VCF-style: chr5-131927064-C-G.
Other names: short protein forms T534R.
Identifiers: ClinVar variation 2451435 (VCV002451435.2), dbSNP rs1561640781, ClinGen allele CA360946083.
Genomic context (GRCh38, chr5:132,591,372, plus strand): 5'-TAGACAGGACCCTGCGTAAACTTGACCAGGAGATGGAGCAGTTAAACCATCATACAACAA[C>G]ACGTACCCAAATGGAGATGCTGACCAAAGACAAAGTATGATTTTTCTTTTTGTTCTAATT-3'
Protein context (NP_005723.2, residues 524-544): EMEQLNHHTT[Thr534Arg]RTQMEMLTKD

ClinVar aggregate classification (germline): Uncertain significance (1 of 4 stars; one submission).

Conditions:
Hereditary cancer-predisposing syndrome. Also called: Neoplastic Syndromes, Hereditary; Tumor predisposition; Hereditary neoplastic syndrome; Hereditary Cancer Syndrome. Identifiers: Orphanet 140162, MedGen C0027672, MeSH D009386, MONDO:0015356.

Submission:

Ambry Genetics
Classification: Uncertain significance for Hereditary cancer-predisposing syndrome. Last evaluated: 2023-02-27. Review status: criteria provided, single submitter. Criteria: Ambry Variant Classification Scheme 2023. Collection method: clinical testing. Allele origin: germline.
Comment: The p.T534R variant (also known as c.1601C>G), located in coding exon 10 of the RAD50 gene, results from a C to G substitution at nucleotide position 1601. The threonine at codon 534 is replaced by arginine, an amino acid with similar properties. This amino acid position is conserved. In addition, this alteration is predicted to be tolerated by in silico analysis. Since supporting evidence is limited at this time, the clinical significance of this alteration remains unclear.